The following is an entry in ClinVar:

NM_000824.5(GLRB):c.*1040A>G

Gene: GLRB (glycine receptor beta; plus strand). Cytogenetic location: 4q32.1.
Variant type: single nucleotide variant.
Coding change: c.*1040A>G on transcript NM_000824.5 (MANE Select); 1040 bases downstream of the stop codon, A replaced by G.
Molecular consequence: 3 prime UTR variant.
Genome position (GRCh38, 1-based): chr4:157,171,768, A>G. VCF-style: chr4-157171768-A-G. GRCh37 (hg19) VCF-style: chr4-158092920-A-G.
Other names: c.*1040A>G (NM_001166060.2); c.*1329A>G (NM_001166061.2).
Identifiers: ClinVar variation 347947 (VCV000347947.6), dbSNP rs11941419, ClinGen allele CA10618181.

ClinVar aggregate classification (germline): Benign. Review status: criteria provided, multiple submitters, no conflicts (2 of 4 stars). 2 submissions from 2 submitters: Benign (2). Last evaluated 2018-01-13.

Conditions:
Hyperekplexia 2 (HKPX2). Identifiers: Orphanet 3197, MedGen C3553291, MONDO:0013828, OMIM 614619.

Allele frequency attached by ClinVar (database versions not stated): gnomAD 0.16535 and 0.17209; gnomAD exomes 0.06250; 1000 Genomes Project 0.14816; 1000 Genomes Project 30x 0.15428; TOPMed 0.17463.
gnomAD v4.1: 24,986 of 151,856 alleles (16%); highest among the groups gnomAD compares: African/African-American, 34%; 2,921 homozygotes.

Submissions (2):

Illumina Laboratory Services, Illumina
Classification: Benign for Hyperekplexia 2. Last evaluated: 2018-01-13. Review status: criteria provided, single submitter. Criteria: ICSL Variant Classification Criteria 13 December 2019. Collection method: clinical testing. Allele origin: germline.
Comment: This variant was observed in the ICSL laboratory as part of a predisposition screen in an ostensibly healthy population. It had not been previously curated by ICSL or reported in the Human Gene Mutation Database (HGMD: prior to June 1st, 2018), and was therefore a candidate for classification through an automated scoring system. Utilizing variant allele frequency, disease prevalence and penetrance estimates, and inheritance mode, an automated score was calculated to assess if this variant is too frequent to cause the disease. Based on the score and internal cut-off values, a variant classified as benign is not then subjected to further curation. The score for this variant resulted in a classification of benign for this disease.

Breakthrough Genomics
Classification: Benign. Review status: criteria provided, single submitter. Criteria: ACMG Guidelines, 2015. Collection method: not provided. Allele origin: germline. Inheritance: Autosomal recessive inheritance. Affected: yes.